The following is an entry in ClinVar:

NM_015178.3(RHOBTB2):c.1640G>A (p.Ser547Asn)

Gene: RHOBTB2 (Rho related BTB domain containing 2; plus strand). Cytogenetic location: 8p21.3.
Variant type: single nucleotide variant.
Coding change: c.1640G>A on transcript NM_015178.3 (MANE Select); coding-DNA position 1640, G replaced by A.
Protein change: p.Ser547Asn; replaces serine 547 with asparagine.
Molecular consequence: missense variant.
Genome position (GRCh38, 1-based): chr8:23,010,557, G>A. VCF-style: chr8-23010557-G-A. GRCh37 (hg19) VCF-style: chr8-22868070-G-A.
Other names: c.1706G>A (NM_001160036.1); c.1706G>A, p.Ser569Asn (NM_001160036.2); c.1661G>A, p.Ser554Asn (NM_001160037.2); c.1640G>A, p.Ser547Asn (NM_001374791.1); short protein forms S547N, S554N, S569N.
Identifiers: ClinVar variation 1569649 (VCV001569649.33), dbSNP rs202072436, ClinGen allele CA4672726.

ClinVar aggregate classification (germline): Benign/Likely benign. Review status: criteria provided, multiple submitters, no conflicts (2 of 4 stars). 3 submissions from 3 submitters: Benign (1); Likely benign (1). 1 of the submissions does not count toward it. Last evaluated 2025-06-03.

Conditions:
RHOBTB2-related disorder. Also called: RHOBTB2-related condition.

Allele frequency attached by ClinVar (database versions not stated): gnomAD 0.00007 and 0.00015; gnomAD exomes 0.00007 and 0.00018; TOPMed 0.00012; 1000 Genomes Project 0.00020; ExAC 0.00026; 1000 Genomes Project 30x 0.00031.
gnomAD v4.1: 141 of 1,613,882 alleles (0.0087%); highest among the groups gnomAD compares: East Asian, 0.13%; no homozygotes.

Submissions (3):

Labcorp Genetics (formerly Invitae), Labcorp
Classification: Likely benign. Last evaluated: 2025-06-03. Review status: criteria provided, single submitter. Criteria: Invitae Variant Classification Sherloc (09022015). Collection method: clinical testing. Allele origin: germline.

CeGaT Center for Human Genetics Tuebingen
Classification: Benign. Last evaluated: 2022-03-01. Review status: criteria provided, single submitter. Criteria: CeGaT Center For Human Genetics Tuebingen Variant Classification Criteria Version 2. Collection method: clinical testing. Allele origin: germline. Affected: yes. Observed: 1 variant allele.
Comment: RHOBTB2: BS1, BS2

PreventionGenetics, part of Exact Sciences
Classification: Likely benign for RHOBTB2-related condition. Last evaluated: 2021-04-27. Review status: no assertion criteria provided. Collection method: clinical testing. Allele origin: germline. Not counted in ClinVar's aggregate classification.
Comment: This variant is classified as likely benign based on ACMG/AMP sequence variant interpretation guidelines (Richards et al. 2015 PMID: 25741868, with internal and published modifications).